The following is an entry in ClinVar:

ClinVar aggregate classification (germline): Uncertain significance (1 of 4 stars; one submission).

Conditions:
TTN-related disorder. Also called: TTN-related disorders; TTN-related condition; TTN-related disease.

Submission:

PreventionGenetics, part of Exact Sciences
Classification: Uncertain significance for TTN-related condition. Last evaluated: 2025-04-16. Review status: criteria provided, single submitter. Criteria: ACMG Guidelines, 2015. Collection method: clinical testing. Allele origin: germline.
Comment: The TTN c.92042C>T variant is predicted to result in the amino acid substitution p.Ala30681Val. To our knowledge, this variant has not been reported in the literature or in a large population database (gnomAD), indicating this variant is rare. At this time, the clinical significance of this variant is uncertain due to the absence of conclusive functional and genetic evidence.

NM_001267550.2(TTN):c.92042C>T (p.Ala30681Val)

Genes: TTN (titin; minus strand), TTN-AS1 (TTN antisense RNA 1; plus strand). Cytogenetic location: 2q31.2.
Variant type: single nucleotide variant.
Coding change: c.92042C>T on transcript NM_001267550.2 (MANE Select); coding-DNA position 92042, C replaced by T.
Protein change: p.Ala30681Val; replaces alanine 30681 with valine.
Molecular consequence: missense variant.
Genome position (GRCh38, 1-based): chr2:178,549,680, G>A on the plus strand (C>T on the coding strand, the complement: TTN is on the minus strand). VCF-style: chr2-178549680-G-A. GRCh37 (hg19) VCF-style: chr2-179414407-G-A.
Other names: c.87119C>T, p.Ala29040Val (NM_001256850.1); c.64847C>T, p.Ala21616Val (NM_003319.4); c.84338C>T, p.Ala28113Val (NM_133378.4); c.65222C>T, p.Ala21741Val (NM_133432.3); c.65423C>T, p.Ala21808Val (NM_133437.4); short protein forms A28113V, A21616V, A21741V, A21808V, A29040V, A30681V.
Identifiers: ClinVar variation 4988971 (VCV004988971.1).